The following is an entry in ClinVar:

NM_001374828.1(ARID1B):c.3951_3952insT (p.Pro1318fs)

Gene: ARID1B (AT-rich interaction domain 1B; plus strand). Cytogenetic location: 6q25.3.
Variant type: Insertion.
Coding change: c.3951_3952insT on transcript NM_001374828.1 (MANE Select); coding-DNA positions 3951 to 3952, T inserted.
Protein change: p.Pro1318fs; shifts the reading frame from proline 1318.
Molecular consequence: frameshift variant.
Genome position: GRCh38 VCF-style: chr6-157189673-C-CT. GRCh37 (hg19) VCF-style: chr6-157510807-C-CT.
Other names: c.1452_1453insT, p.Pro485fs (NM_001363725.2); c.3831_3832insT, p.Pro1278fs (NM_001371656.1, NM_001374820.1); c.4080_4081insT, p.Pro1361fs (NM_001438482.1); c.3993_3994insT, p.Pro1332fs (NM_001438483.1); c.3861_3862insT, p.Pro1288fs (NM_001438485.1); c.3834_3835insT, p.Pro1279fs (NM_001438486.1); c.3771_3772insT, p.Pro1258fs (NM_001438487.1); c.1293_1294insT, p.Pro432fs (NM_001438488.1); and 1 more; short protein forms P1278fs, P1318fs, P1332fs, P1361fs, P1265fs, P1288fs, P432fs, P1258fs.
Identifiers: ClinVar variation 4721619 (VCV004721619.1).
Genomic context (GRCh38, chr6:157,189,673, plus strand): 5'-CCTGTTTCTCTTGGTGCTGCTACTATCAGCTAACTCGGGATCCTTGCAAGGCCCACAGAC[C>CT]CCCCAGTCAACTGGCAGCAATTCCATGGCAGAGGTTCCAGGTGACCTGAAGCCACCTACC-3'

ClinVar aggregate classification (germline): Pathogenic (1 of 4 stars; one submission).

Submission:

Labcorp Genetics (formerly Invitae), Labcorp
Classification: Pathogenic. Last evaluated: 2025-06-24. Review status: criteria provided, single submitter. Criteria: Invitae Variant Classification Sherloc (09022015). Collection method: clinical testing. Allele origin: germline.
Comment: This sequence change creates a premature translational stop signal (p.Pro1195Serfs*15) in the ARID1B gene. It is expected to result in an absent or disrupted protein product. Loss-of-function variants in ARID1B are known to be pathogenic (PMID: 25674384, 30349098). This variant is not present in population databases (gnomAD no frequency). This variant has not been reported in the literature in individuals affected with ARID1B-related conditions. For these reasons, this variant has been classified as Pathogenic.

Literature cited by the submitters: PubMed 25674384; PubMed 30349098.